The following is an entry in ClinVar:

NM_006005.3(WFS1):c.439C>T (p.Arg147Trp)

Gene: WFS1 (wolframin ER transmembrane glycoprotein; plus strand). Cytogenetic location: 4p16.1.
Variant type: single nucleotide variant.
Coding change: c.439C>T on transcript NM_006005.3 (MANE Select); coding-DNA position 439, C replaced by T.
Protein change: p.Arg147Trp; replaces arginine 147 with tryptophan.
Molecular consequence: missense variant.
Genome position (GRCh38, 1-based): chr4:6,289,110, C>T. VCF-style: chr4-6289110-C-T. GRCh37 (hg19) VCF-style: chr4-6290837-C-T.
Other names: c.439C>T, p.Arg147Trp (NM_001145853.1); short protein forms R147W.
Identifiers: ClinVar variation 2739964 (VCV002739964.4), dbSNP rs759147965, ClinGen allele CA2838893.

ClinVar aggregate classification (germline): Uncertain significance. Review status: criteria provided, multiple submitters, no conflicts (2 of 4 stars). 2 submissions from 2 submitters: Uncertain significance (2). Last evaluated 2024-04-10.

Conditions:
Autosomal dominant nonsyndromic hearing loss 6 (LFSNHL). Also called: DEAFNESS, AUTOSOMAL DOMINANT 6; DEAFNESS, AUTOSOMAL DOMINANT 14; DEAFNESS, AUTOSOMAL DOMINANT 38; Autosomal dominant nonsyndromic deafness 6. Identifiers: Orphanet 90635, MedGen C1833021, MONDO:0010963, OMIM 600965.
Cataract 41 (CTRCT41). Also called: CATARACT 41, CONGENITAL NUCLEAR TYPE. Identifiers: Orphanet 91492, Orphanet 98991, Orphanet 98992, Orphanet 98995, MedGen C3805412, MONDO:0007287, OMIM 116400.
Wolfram-like syndrome. Also called: HEARING LOSS, PROGRESSIVE, WITH OPTIC ATROPHY AND/OR IMPAIRED GLUCOSE REGULATION. Identifiers: Orphanet 411590, MedGen C3280358, MONDO:0013673, OMIM 614296.
Type 2 diabetes mellitus. Also called: Type II diabetes mellitus. Identifiers: MedGen C0011860, MeSH D003924, MONDO:0005148, OMIM 125853, HP:0005978.
Wolfram syndrome 1 (WFS1). Identifiers: Orphanet 3463, MedGen C4551693, MONDO:0009101, OMIM 222300.

Allele frequency attached by ClinVar (database versions not stated): ExAC 0.00003.
gnomAD v4.1: 15 of 1,577,822 alleles (0.00095%); highest among the groups gnomAD compares: Middle Eastern, 0.017%; no homozygotes.

Submissions (2):

Fulgent Genetics
Classification: Uncertain significance for Cataract 41; Type 2 diabetes mellitus; Wolfram syndrome 1; Autosomal dominant nonsyndromic hearing loss 6; Wolfram-like syndrome. Last evaluated: 2024-04-10. Review status: criteria provided, single submitter. Criteria: ACMG Guidelines, 2015. Collection method: clinical testing. Allele origin: germline.

Labcorp Genetics (formerly Invitae), Labcorp
Classification: Uncertain significance. Last evaluated: 2023-08-27. Review status: criteria provided, single submitter. Criteria: Invitae Variant Classification Sherloc (09022015). Collection method: clinical testing. Allele origin: germline.
Comment: This sequence change replaces arginine, which is basic and polar, with tryptophan, which is neutral and slightly polar, at codon 147 of the WFS1 protein (p.Arg147Trp). The frequency data for this variant in the population databases is considered unreliable, as metrics indicate poor data quality at this position in the gnomAD database. This variant has not been reported in the literature in individuals affected with WFS1-related conditions. Advanced modeling of protein sequence and biophysical properties (such as structural, functional, and spatial information, amino acid conservation, physicochemical variation, residue mobility, and thermodynamic stability) performed at Invitae indicates that this missense variant is not expected to disrupt WFS1 protein function. In summary, the available evidence is currently insufficient to determine the role of this variant in disease. Therefore, it has been classified as a Variant of Uncertain Significance.